The following is an entry in ClinVar:

ClinVar aggregate classification (germline): Uncertain significance (1 of 4 stars; one submission).

Conditions:
Breast-ovarian cancer, familial, susceptibility to, 5 (BROVCA5). Identifiers: MedGen C5830615, MONDO:0957530, OMIM 620442.

Submission:

Dasa
Classification: Uncertain significance for Breast-ovarian cancer, familial, susceptibility to, 5. Last evaluated: 2024-12-08. Review status: criteria provided, single submitter. Criteria: DASA Assertion Criteria. Collection method: clinical testing. Allele origin: germline.
Comment: NM_024675.4(PALB2):c.1211T>C (p.Phe404Ser) is a missense variant that results in the substitution of phenylalanine with serine. This variant is absent from population databases. The currently available literature and clinical evidence are not sufficient to establish a definitive association between this variant and the reported condition. Therefore, this variant is classified as a variant of uncertain significance.

NM_024675.4(PALB2):c.1211T>C (p.Phe404Ser)

Gene: PALB2 (partner and localizer of BRCA2; minus strand). Cytogenetic location: 16p12.2.
Variant type: single nucleotide variant.
Coding change: c.1211T>C on transcript NM_024675.4 (MANE Select); coding-DNA position 1211, T replaced by C.
Protein change: p.Phe404Ser; replaces phenylalanine 404 with serine.
Molecular consequence: missense variant. On other transcripts: intron variant (3).
Genome position (GRCh38, 1-based): chr16:23,635,335, A>G on the plus strand (T>C on the coding strand, the complement: PALB2 is on the minus strand). VCF-style: chr16-23635335-A-G. GRCh37 (hg19) VCF-style: chr16-23646656-A-G.
Other names: c.1151T>C, p.Phe384Ser (NM_001407296.1); c.1211T>C, p.Phe404Ser (NM_001407297.1, NM_001407298.1, NM_001407299.1 and 3 more transcripts); c.326T>C, p.Phe109Ser (NM_001407304.1, NM_001407305.1, NM_001407306.1 and 5 more transcripts); c.48+5775T>C (NM_001407314.1); c.-104-4866T>C (NM_001407313.1, NM_001407312.1); short protein forms F109S, F384S, F404S.
Identifiers: ClinVar variation 5042662 (VCV005042662.1).